The following is an entry in ClinVar:

NM_000398.7(CYB5R3):c.527G>A (p.Gly176Asp)

Gene: CYB5R3 (cytochrome b5 reductase 3; minus strand). Cytogenetic location: 22q13.2.
Variant type: single nucleotide variant.
Coding change: c.527G>A on transcript NM_000398.7 (MANE Select); coding-DNA position 527, G replaced by A.
Protein change: p.Gly176Asp; replaces glycine 176 with aspartic acid.
Molecular consequence: missense variant.
Genome position (GRCh38, 1-based): chr22:42,627,625, C>T on the plus strand (G>A on the coding strand, the complement: CYB5R3 is on the minus strand). VCF-style: chr22-42627625-C-T. GRCh37 (hg19) VCF-style: chr22-43023631-C-T.
Other names: c.527G>A, p.Gly176Asp (NM_001031678.1); c.458G>A, p.Gly153Asp (NM_001129819.2, NM_001171661.1, NM_007326.4); c.626G>A, p.Gly209Asp (NM_001171660.2); short protein forms G176D, G153D, G209D.
Identifiers: ClinVar variation 3004176 (VCV003004176.3), dbSNP rs377689936, ClinGen allele CA324699574.

ClinVar aggregate classification (germline): Uncertain significance (1 of 4 stars; one submission).

gnomAD v4.1: 1 of 1,614,136 alleles (0.000062%); highest among the groups gnomAD compares: Non-Finnish European, 0.000085%; no homozygotes.

Submission:

Labcorp Genetics (formerly Invitae), Labcorp
Classification: Uncertain significance. Last evaluated: 2024-07-30. Review status: criteria provided, single submitter. Criteria: Invitae Variant Classification Sherloc (09022015). Collection method: clinical testing. Allele origin: germline.
Comment: This sequence change replaces glycine, which is neutral and non-polar, with aspartic acid, which is acidic and polar, at codon 176 of the CYB5R3 protein (p.Gly176Asp). This variant is not present in population databases (gnomAD no frequency). This variant has not been reported in the literature in individuals affected with CYB5R3-related conditions. Advanced modeling of protein sequence and biophysical properties (such as structural, functional, and spatial information, amino acid conservation, physicochemical variation, residue mobility, and thermodynamic stability) performed at Invitae indicates that this missense variant is expected to disrupt CYB5R3 protein function with a positive predictive value of 80%. In summary, the available evidence is currently insufficient to determine the role of this variant in disease. Therefore, it has been classified as a Variant of Uncertain Significance.